The following is an entry in ClinVar:

ClinVar aggregate classification (germline): Uncertain significance (1 of 4 stars; one submission).

Conditions:
Hereditary cancer-predisposing syndrome. Also called: Neoplastic Syndromes, Hereditary; Tumor predisposition; Hereditary Cancer Syndrome; Hereditary neoplastic syndrome. Identifiers: Orphanet 140162, MedGen C0027672, MeSH D009386, MONDO:0015356.

Submission:

Ambry Genetics
Classification: Uncertain significance for Hereditary cancer-predisposing syndrome. Last evaluated: 2022-02-06. Review status: criteria provided, single submitter. Criteria: Ambry Variant Classification Scheme 2023. Collection method: clinical testing. Allele origin: germline.
Comment: The p.D560H variant (also known as c.1678G>C), located in coding exon 14 of the MRE11A gene, results from a G to C substitution at nucleotide position 1678. The aspartic acid at codon 560 is replaced by histidine, an amino acid with similar properties. This amino acid position is conserved. In addition, this alteration is predicted to be tolerated by in silico analysis. Since supporting evidence is limited at this time, the clinical significance of this alteration remains unclear.

NM_005591.4(MRE11):c.1678G>C (p.Asp560His)

Gene: MRE11 (MRE11 double strand break repair nuclease; minus strand). Cytogenetic location: 11q21.
Variant type: single nucleotide variant.
Coding change: c.1678G>C on transcript NM_005591.4 (MANE Select); coding-DNA position 1678, G replaced by C.
Protein change: p.Asp560His; replaces aspartic acid 560 with histidine.
Molecular consequence: missense variant.
Genome position (GRCh38, 1-based): chr11:94,447,324, C>G on the plus strand (G>C on the coding strand, the complement: MRE11 is on the minus strand). VCF-style: chr11-94447324-C-G. GRCh37 (hg19) VCF-style: chr11-94180490-C-G.
Other names: c.1678G>C, p.Asp560His (NM_001330347.2, NM_005590.4); short protein forms D560H.
Identifiers: ClinVar variation 1800011 (VCV001800011.2), dbSNP rs2496295372, ClinGen allele CA382368360.
Genomic context (GRCh38, chr11:94,447,324, plus strand): 5'-TTCCACCTCTTCGACCTCTTCCTCGGCCTCTTCCTTTGTTGGTTGCTGCTGAGATGCTAT[C>G]ATCAGAGTCATTAGCCATCTGTTCTGCTAAATCTATACTCATAAGGTCATCAGCACTAAA-3'
Protein context (NP_005582.1, residues 550-570): LAEQMANDSD[Asp560His]SISAATNKGR